The following is an entry in ClinVar:

NM_001011.4(RPS7):c.520T>G (p.Ser174Ala)

Gene: RPS7 (ribosomal protein S7; plus strand). Cytogenetic location: 2p25.3.
Variant type: single nucleotide variant.
Coding change: c.520T>G on transcript NM_001011.4 (MANE Select); coding-DNA position 520, T replaced by G.
Protein change: p.Ser174Ala; replaces serine 174 with alanine.
Molecular consequence: missense variant.
Genome position (GRCh38, 1-based): chr2:3,580,817, T>G. VCF-style: chr2-3580817-T-G. GRCh37 (hg19) VCF-style: chr2-3628407-T-G.
Other names: short protein forms S174A.
Identifiers: ClinVar variation 1050877 (VCV001050877.7), dbSNP rs1367450977, ClinGen allele CA345743833.

ClinVar aggregate classification (germline): Uncertain significance (1 of 4 stars; one submission).

Conditions:
Diamond-Blackfan anemia 8 (DBA8). Also called: RPS7-Related Diamond-Blackfan Anemia. Identifiers: Orphanet 124, MedGen C2675511, MONDO:0012939, OMIM 612563.

Allele frequency attached by ClinVar (database versions not stated): gnomAD exomes below 0.00001.

Submission:

Labcorp Genetics (formerly Invitae), Labcorp
Classification: Uncertain significance for Diamond-Blackfan anemia 8. Last evaluated: 2024-02-17. Review status: criteria provided, single submitter. Criteria: Invitae Variant Classification Sherloc (09022015). Collection method: clinical testing. Allele origin: germline.
Comment: This sequence change replaces serine, which is neutral and polar, with alanine, which is neutral and non-polar, at codon 174 of the RPS7 protein (p.Ser174Ala). This variant is present in population databases (no rsID available, gnomAD 0.0009%). This variant has not been reported in the literature in individuals affected with RPS7-related conditions. ClinVar contains an entry for this variant (Variation ID: 1050877). An algorithm developed to predict the effect of missense changes on protein structure and function (PolyPhen-2) suggests that this variant is likely to be tolerated. In summary, the available evidence is currently insufficient to determine the role of this variant in disease. Therefore, it has been classified as a Variant of Uncertain Significance.